The following is an entry in ClinVar:

ClinVar aggregate classification (germline): Pathogenic (1 of 4 stars; one submission).

Conditions:
Marfan syndrome (MFS). Also called: MARFAN SYNDROME, TYPE I; Marfan syndrome type 1; Marfan's syndrome; Marfan syndrome, classic; FBN1-Related Marfan Syndrome. Identifiers: Orphanet 284963, Orphanet 558, MedGen C0024796, MONDO:0007947, OMIM 154700.
Familial thoracic aortic aneurysm and aortic dissection (TAAD). Also called: Thoracic aortic aneurysms and dissections. Identifiers: Orphanet 91387, MedGen C4707243, MONDO:0019625.

Submission:

Labcorp Genetics (formerly Invitae), Labcorp
Classification: Pathogenic for Marfan syndrome; Familial thoracic aortic aneurysm and aortic dissection. Last evaluated: 2024-03-19. Review status: criteria provided, single submitter. Criteria: Invitae Variant Classification Sherloc (09022015). Collection method: clinical testing. Allele origin: germline.
Comment: This sequence change replaces cysteine, which is neutral and slightly polar, with phenylalanine, which is neutral and non-polar, at codon 2633 of the FBN1 protein (p.Cys2633Phe). This variant is not present in population databases (gnomAD no frequency). This missense change has been observed in individual(s) with clinical features of Marfan syndrome (Invitae). Advanced modeling of protein sequence and biophysical properties (such as structural, functional, and spatial information, amino acid conservation, physicochemical variation, residue mobility, and thermodynamic stability) performed at Invitae indicates that this missense variant is expected to disrupt FBN1 protein function with a positive predictive value of 95%. This variant affects a cysteine residue in the EGF-like, TGFBP or hybrid motif domains of FBN1. Cysteine residues are believed to be involved in intramolecular disulfide bridges and have been shown to be important for FBN1 protein structure (PMID: 16905551, 19349279). In addition, missense substitutions affecting cysteine residues within these domains are significantly overrepresented among patients with Marfan syndrome (PMID: 16571647, 17701892). This variant disrupts the p.Cys2633 amino acid residue in FBN1. Other variant(s) that disrupt this residue have been observed in individuals with FBN1-related conditions (PMID: 31730815, 33059708, 35231796; Invitae), which suggests that this may be a clinically significant amino acid residue. For these reasons, this variant has been classified as Pathogenic.

Literature cited by the submitters: PubMed 16905551; PubMed 19349279; PubMed 16571647; PubMed 17701892; PubMed 31730815; PubMed 33059708; PubMed 35231796.

NM_000138.5(FBN1):c.7898G>T (p.Cys2633Phe)

Gene: FBN1 (fibrillin 1; minus strand). Cytogenetic location: 15q21.1.
Variant type: single nucleotide variant.
Coding change: c.7898G>T on transcript NM_000138.5 (MANE Select); coding-DNA position 7898, G replaced by T.
Protein change: p.Cys2633Phe; replaces cysteine 2633 with phenylalanine.
Molecular consequence: missense variant.
Genome position (GRCh38, 1-based): chr15:48,415,689, C>A on the plus strand (G>T on the coding strand, the complement: FBN1 is on the minus strand). VCF-style: chr15-48415689-C-A. GRCh37 (hg19) VCF-style: chr15-48707886-C-A.
Other names: c.7898G>T, p.Cys2633Phe (NM_001406716.1); short protein forms C2633F.
Identifiers: ClinVar variation 3754039 (VCV003754039.2).